The following is an entry in ClinVar:

NM_000090.4(COL3A1):c.4258C>T (p.His1420Tyr)

Gene: COL3A1 (collagen type III alpha 1 chain; plus strand). Cytogenetic location: 2q32.2.
Variant type: single nucleotide variant.
Coding change: c.4258C>T on transcript NM_000090.4 (MANE Select); coding-DNA position 4258, C replaced by T.
Protein change: p.His1420Tyr; replaces histidine 1420 with tyrosine.
Molecular consequence: missense variant.
Genome position (GRCh38, 1-based): chr2:189,011,631, C>T. VCF-style: chr2-189011631-C-T. GRCh37 (hg19) VCF-style: chr2-189876357-C-T.
Other names: short protein forms H1420Y.
Identifiers: ClinVar variation 3386502 (VCV003386502.1).

ClinVar aggregate classification (germline): Uncertain significance (1 of 4 stars; one submission).

Conditions:
Ehlers-Danlos syndrome, type 4 (EDSVASC). Also called: Ehlers-Danlos syndrome vascular type; Ehlers Danlos syndrome, ecchymotic type; Ehlers Danlos syndrome, arterial type; Ehlers Danlos syndrome, Sack-Barabas type; Ehlers-Danlos Syndrome Type IV. Identifiers: Orphanet 286, MedGen C0268338, MONDO:0017314, OMIM 130050.

Submission:

All of Us Research Program, National Institutes of Health
Classification: Uncertain significance for Ehlers-Danlos syndrome, type 4. Last evaluated: 2024-05-30. Review status: criteria provided, single submitter. Criteria: ACMG Guidelines, 2015. Collection method: clinical testing. Allele origin: germline. Inheritance: Autosomal dominant inheritance. Observed: 1 variant allele, 1 heterozygote.
Comment: This missense variant replaces histidine with tyrosine at codon 1420 of the COL3A1 protein. Computational prediction is inconclusive regarding the impact of this variant on protein structure and function (internally defined REVEL score threshold 0.5 < inconclusive < 0.7, PMID: 27666373). To our knowledge, functional studies have not been reported for this variant. This variant has not been reported in individuals affected with COL3A1-related disorders in the literature. This variant has not been identified in the general population by the Genome Aggregation Database (gnomAD). The available evidence is insufficient to determine the role of this variant in disease conclusively. Therefore, this variant is classified as a Variant of Uncertain Significance.

This study involves interpretation of variants in research participants for the purpose of population health screening. Participant phenotype was not available at the time of variant classification. Additional details can be found in publication PMID: 35346344, PMCID: PMC8962531